The following is an entry in ClinVar:

ClinVar aggregate classification (germline): Uncertain significance. Review status: criteria provided, multiple submitters, no conflicts (2 of 4 stars). 2 submissions from 2 submitters: Uncertain significance (2). Last evaluated 2024-07-18.

Conditions:
Nephronophthisis. Also called: Juvenile Nephronophthisis. Identifiers: Orphanet 655, MedGen C0687120, MONDO:0019005, HP:0000090.

Allele frequency attached by ClinVar (database versions not stated): gnomAD 0.00002; gnomAD exomes 0.00004; TOPMed 0.00004; ExAC 0.00006.

Submissions (2):

Ambry Genetics
Classification: Uncertain significance. Last evaluated: 2024-07-18. Review status: criteria provided, single submitter. Criteria: Ambry Variant Classification Scheme 2023. Collection method: clinical testing. Allele origin: germline.

Labcorp Genetics (formerly Invitae), Labcorp
Classification: Uncertain significance for Nephronophthisis. Last evaluated: 2023-10-03. Review status: criteria provided, single submitter. Criteria: Invitae Variant Classification Sherloc (09022015). Collection method: clinical testing. Allele origin: germline.
Comment: This sequence change replaces alanine, which is neutral and non-polar, with threonine, which is neutral and polar, at codon 360 of the GLIS2 protein (p.Ala360Thr). This variant is present in population databases (rs762497881, gnomAD 0.02%). This variant has not been reported in the literature in individuals affected with GLIS2-related conditions. ClinVar contains an entry for this variant (Variation ID: 2379878). Experimental studies and prediction algorithms are not available or were not evaluated, and the functional significance of this variant is currently unknown. In summary, the available evidence is currently insufficient to determine the role of this variant in disease. Therefore, it has been classified as a Variant of Uncertain Significance.

NM_032575.3(GLIS2):c.1078G>A (p.Ala360Thr)

Gene: GLIS2 (GLIS family zinc finger 2; plus strand). Cytogenetic location: 16p13.3.
Variant type: single nucleotide variant.
Coding change: c.1078G>A on transcript NM_032575.3 (MANE Select); coding-DNA position 1078, G replaced by A.
Protein change: p.Ala360Thr; replaces alanine 360 with threonine.
Molecular consequence: missense variant.
Genome position (GRCh38, 1-based): chr16:4,337,027, G>A. VCF-style: chr16-4337027-G-A. GRCh37 (hg19) VCF-style: chr16-4387028-G-A.
Other names: c.1078G>A, p.Ala360Thr (NM_001318918.2); short protein forms A360T.
Identifiers: ClinVar variation 2379878 (VCV002379878.5), dbSNP rs762497881, ClinGen allele CA7873191.